The following is an entry in ClinVar:

NM_002834.5(PTPN11):c.-5G>C

Gene: PTPN11 (protein tyrosine phosphatase non-receptor type 11; plus strand). Cytogenetic location: 12q24.13.
Variant type: single nucleotide variant.
Coding change: c.-5G>C on transcript NM_002834.5 (MANE Select); 5 bases upstream of the start codon, G replaced by C.
Molecular consequence: 5 prime UTR variant.
Genome position (GRCh38, 1-based): chr12:112,419,107, G>C. VCF-style: chr12-112419107-G-C. GRCh37 (hg19) VCF-style: chr12-112856911-G-C.
Other names: c.-5G>C (NM_001330437.2, NM_001374625.1, NM_080601.3).
Identifiers: ClinVar variation 4147346 (VCV004147346.1).

ClinVar aggregate classification (germline): Uncertain significance (1 of 4 stars; one submission).

Conditions:
Cardiovascular phenotype. Identifiers: MedGen CN230736.

gnomAD v4.1: 10 of 1,529,628 alleles (0.00065%); highest among the groups gnomAD compares: Non-Finnish European, 0.00088%; no homozygotes.

Submission:

Ambry Genetics
Classification: Uncertain significance for Cardiovascular phenotype. Last evaluated: 2025-08-07. Review status: criteria provided, single submitter. Criteria: Ambry Variant Classification Scheme 2023. Collection method: clinical testing. Allele origin: germline.
Comment: The c.-5G>C variant is located in the 5' untranslated region (5&rsquo; UTR) of the PTPN11 gene. This variant results from a G to C substitution 5 bases upstream from the first translated codon. This nucleotide position is highly conserved in available vertebrate species. Based on the available evidence, the clinical significance of this variant remains unclear.